The following is an entry in ClinVar:

ClinVar aggregate classification (germline): Uncertain significance. Review status: criteria provided, multiple submitters, no conflicts (2 of 4 stars). 3 submissions from 3 submitters: Uncertain significance (3). Last evaluated 2024-11-08.

Conditions:
Nephronophthisis. Also called: Juvenile Nephronophthisis. Identifiers: Orphanet 655, MedGen C0687120, MONDO:0019005, HP:0000090.
Senior-Loken syndrome 5 (SLSN5). Identifiers: Orphanet 3156, MedGen C1836517, MONDO:0012225, OMIM 609254.

Allele frequency attached by ClinVar (database versions not stated): gnomAD 0.00002 and 0.00005; TOPMed 0.00002; gnomAD exomes 0.00018; 1000 Genomes Project 0.00020; ExAC 0.00026; 1000 Genomes Project 30x 0.00031.
gnomAD v4.1: 161 of 1,613,976 alleles (0.01%); highest among the groups gnomAD compares: South Asian, 0.099%; 2 homozygotes.

Submissions (3):

Blueprint Genetics
Classification: Uncertain significance. Last evaluated: 2024-11-08. Review status: criteria provided, single submitter. Criteria: ACMG Guidelines, 2015. Collection method: clinical testing. Allele origin: germline.

Fulgent Genetics
Classification: Uncertain significance for Senior-Loken syndrome 5. Last evaluated: 2024-01-22. Review status: criteria provided, single submitter. Criteria: ACMG Guidelines, 2015. Collection method: clinical testing. Allele origin: germline.

Labcorp Genetics (formerly Invitae), Labcorp
Classification: Uncertain significance for Nephronophthisis. Last evaluated: 2021-11-12. Review status: criteria provided, single submitter. Criteria: Invitae Variant Classification Sherloc (09022015). Collection method: clinical testing. Allele origin: germline.
Comment: This sequence change replaces glutamine, which is neutral and polar, with arginine, which is basic and polar, at codon 424 of the IQCB1 protein (p.Gln424Arg). This variant is present in population databases (rs545361604, gnomAD 0.09%). This variant has not been reported in the literature in individuals affected with IQCB1-related conditions. Algorithms developed to predict the effect of missense changes on protein structure and function are either unavailable or do not agree on the potential impact of this missense change (SIFT: "Deleterious"; PolyPhen-2: "Benign"; Align-GVGD: "Class C0"). In summary, the available evidence is currently insufficient to determine the role of this variant in disease. Therefore, it has been classified as a Variant of Uncertain Significance.

NM_001023570.4(IQCB1):c.1271A>G (p.Gln424Arg)

Gene: IQCB1 (IQ motif containing B1; minus strand). Cytogenetic location: 3q13.33.
Variant type: single nucleotide variant.
Coding change: c.1271A>G on transcript NM_001023570.4 (MANE Select); coding-DNA position 1271, A replaced by G.
Protein change: p.Gln424Arg; replaces glutamine 424 with arginine.
Molecular consequence: missense variant. On other transcripts: non-coding transcript variant (1).
Genome position (GRCh38, 1-based): chr3:121,788,291, T>C on the plus strand (A>G on the coding strand, the complement: IQCB1 is on the minus strand). VCF-style: chr3-121788291-T-C. GRCh37 (hg19) VCF-style: chr3-121507138-T-C.
Other names: c.872A>G, p.Gln291Arg (NM_001023571.4); c.1271A>G, p.Gln424Arg (NM_001319107.2); short protein forms Q291R, Q424R.
Identifiers: ClinVar variation 1370303 (VCV001370303.6), dbSNP rs545361604, ClinGen allele CA2567163.